The following is an entry in ClinVar:

NM_004982.4(KCNJ8):c.329T>C (p.Met110Thr)

Genes: KCNJ8 (potassium inwardly rectifying channel subfamily J member 8; minus strand), KCNJ8-AS1 (KCNJ8 antisense RNA 1; plus strand). Cytogenetic location: 12p12.1.
Variant type: single nucleotide variant.
Coding change: c.329T>C on transcript NM_004982.4 (MANE Select); coding-DNA position 329, T replaced by C.
Protein change: p.Met110Thr; replaces methionine 110 with threonine.
Molecular consequence: missense variant.
Genome position (GRCh38, 1-based): chr12:21,773,288, A>G on the plus strand (T>C on the coding strand, the complement: KCNJ8 is on the minus strand). VCF-style: chr12-21773288-A-G. GRCh37 (hg19) VCF-style: chr12-21926222-A-G.
Other names: short protein forms M110T.
Identifiers: ClinVar variation 3287656 (VCV003287656.1).

ClinVar aggregate classification (germline): Uncertain significance (1 of 4 stars; one submission).

Conditions:
Cardiovascular phenotype. Identifiers: MedGen CN230736.

Submission:

Ambry Genetics
Classification: Uncertain significance for Cardiovascular phenotype. Last evaluated: 2024-03-24. Review status: criteria provided, single submitter. Criteria: Ambry Variant Classification Scheme 2023. Collection method: clinical testing. Allele origin: germline.
Comment: The p.M110T variant (also known as c.329T>C), located in coding exon 1 of the KCNJ8 gene, results from a T to C substitution at nucleotide position 329. The methionine at codon 110 is replaced by threonine, an amino acid with similar properties. This amino acid position is conserved. In addition, this alteration is predicted to be tolerated by in silico analysis. Based on the available evidence, the clinical significance of this alteration remains unclear.